The following is an entry in ClinVar:

ClinVar aggregate classification (germline): Pathogenic. Review status: reviewed by expert panel (3 of 4 stars). 5 submissions from 5 submitters: Pathogenic (1). 4 of the submissions do not count toward it. Last evaluated 2016-10-18.

Conditions:
Hereditary cancer-predisposing syndrome. Also called: Tumor predisposition; Hereditary neoplastic syndrome; Hereditary Cancer Syndrome; Neoplastic Syndromes, Hereditary. Identifiers: Orphanet 140162, MedGen C0027672, MeSH D009386, MONDO:0015356.
Breast-ovarian cancer, familial, susceptibility to, 2 (BROVCA2). Also called: BRCA2 Hereditary Breast and Ovarian Cancer. Identifiers: Orphanet 145, MedGen C2675520, MONDO:0012933, OMIM 612555. Disease mechanism: loss of function.

Submissions (5):

Evidence-based Network for the Interpretation of Germline Mutant Alleles (ENIGMA)
Classification: Pathogenic for Breast-ovarian cancer, familial, susceptibility to, 2. Last evaluated: 2016-10-18. Review status: reviewed by expert panel. Criteria: ENIGMA BRCA1/2 Classification Criteria (2015). Collection method: curation. Allele origin: germline.
Comment: Variant allele predicted to encode a truncated non-functional protein.

Ambry Genetics
Classification: Pathogenic for Hereditary cancer-predisposing syndrome. Last evaluated: 2025-12-17. Review status: criteria provided, single submitter. Criteria: Ambry Variant Classification Scheme 2023. Collection method: clinical testing. Allele origin: germline. Not counted in ClinVar's aggregate classification.
Comment: The c.5590_5591delGA pathogenic mutation, located in coding exon 10 of the BRCA2 gene, results from a deletion of two nucleotides at nucleotide positions 5590 to 5591, causing a translational frameshift with a predicted alternate stop codon (p.D1864Hfs*8). This variant is considered to be rare based on population cohorts in the Genome Aggregation Database (gnomAD). This alteration is expected to result in loss of function by premature protein truncation or nonsense-mediated mRNA decay. As such, this alteration is interpreted as a disease-causing mutation.

Color Diagnostics, LLC DBA Color Health
Classification: Pathogenic for Hereditary cancer-predisposing syndrome. Last evaluated: 2020-01-15. Review status: criteria provided, single submitter. Criteria: ACMG Guidelines, 2015. Collection method: clinical testing. Allele origin: germline. Not counted in ClinVar's aggregate classification.
Comment: This variant deletes 2 nucleotides in exon 11 of the BRCA2 gene, creating a frameshift and premature translation stop signal. This variant is expected to result in an absent or non-functional protein product. This variant has not been identified in the general population by the Genome Aggregation Database (gnomAD). Loss of BRCA2 function is a known mechanism of disease. Based on the available evidence, this variant is classified as Pathogenic.

Consortium of Investigators of Modifiers of BRCA1/2 (CIMBA), c/o University of Cambridge
Classification: Pathogenic for Breast-ovarian cancer, familial, susceptibility to, 2. Last evaluated: 2015-10-02. Review status: criteria provided, single submitter. Criteria: CIMBA Mutation Classification guidelines May 2016. Collection method: clinical testing. Allele origin: germline. Not counted in ClinVar's aggregate classification.

Counsyl
Classification: Likely pathogenic for Breast-ovarian cancer, familial, susceptibility to, 2. Last evaluated: 2018-03-13. Review status: no assertion criteria provided. Collection method: clinical testing. Allele origin: unknown. Not counted in ClinVar's aggregate classification.

NM_000059.4(BRCA2):c.5590_5591del (p.Asp1864fs)

Gene: BRCA2 (BRCA2 DNA repair associated; plus strand). Cytogenetic location: 13q13.1.
Variant type: Deletion.
Coding change: c.5590_5591del on transcript NM_000059.4 (MANE Select); coding-DNA positions 5590 to 5591, 2 bases deleted (GA; older notation c.5590_5591delGA).
Protein change: p.Asp1864fs; shifts the reading frame from aspartic acid 1864.
Molecular consequence: frameshift variant.
Genome position (GRCh38, 1-based): chr13:32,339,945-32,339,946, GA deleted; deleting any 2 consecutive bases within chr13:32,339,944-32,339,946 gives the same sequence; the c. name uses the placement nearest the transcript's 3' end. VCF-style (leftmost placement, unchanged base first): chr13-32339943-AAG-A. GRCh37 (hg19) VCF-style: chr13-32914080-AAG-A.
Other names: 5818delGA-ter1871; c.5590_5591delGA (NM_000059.3).
Identifiers: ClinVar variation 266883 (VCV000266883.10), dbSNP rs886040598, ClinGen allele CA10589320.